The following is an entry in ClinVar:

NM_006231.4(POLE):c.1382C>G (p.Ser461Ter)

Gene: POLE (DNA polymerase epsilon, catalytic subunit; minus strand). Cytogenetic location: 12q24.33.
Variant type: single nucleotide variant.
Coding change: c.1382C>G on transcript NM_006231.4 (MANE Select); coding-DNA position 1382, C replaced by G.
Protein change: p.Ser461Ter; replaces serine 461 with a stop codon.
Molecular consequence: nonsense.
Genome position (GRCh38, 1-based): chr12:132,673,255, G>C on the plus strand (C>G on the coding strand, the complement: POLE is on the minus strand). VCF-style: chr12-132673255-G-C. GRCh37 (hg19) VCF-style: chr12-133249841-G-C.
Other names: short protein forms S461*.
Identifiers: ClinVar variation 4862328 (VCV004862328.1).
Genomic context (GRCh38, chr12:132,673,255, plus strand): 5'-AGAGCAAAGATGAATGGGTGGACGTACTTCATGTACAGGTAGTAAGTGGCGACAGCATCT[G>C]ACACAGAATACGTGGCCAGAGTCTGAGGAGAGAACGCCAGAGAGCAGGGCCATCAAAAAT-3'

ClinVar aggregate classification (germline): Uncertain significance (1 of 4 stars; one submission).

Conditions:
Hereditary cancer-predisposing syndrome. Also called: Neoplastic Syndromes, Hereditary; Tumor predisposition; Hereditary Cancer Syndrome; Hereditary neoplastic syndrome. Identifiers: Orphanet 140162, MedGen C0027672, MeSH D009386, MONDO:0015356.

Submission:

Ambry Genetics
Classification: Uncertain significance for Hereditary cancer-predisposing syndrome. Last evaluated: 2026-05-28. Review status: criteria provided, single submitter. Criteria: Ambry Variant Classification Scheme 2023. Collection method: clinical testing. Allele origin: germline.
Comment: The p.S461* variant (also known as c.1382C>G), located in coding exon 14 of the POLE gene, results from a C to G substitution at nucleotide position 1382. This changes the amino acid from a serine to a stop codon within coding exon 14. This alteration is expected to result in loss of function by premature protein truncation or nonsense-mediated mRNA decay. Although biallelic loss of function of POLE has been associated with autosomal recessive POLE deficiency, haploinsufficiency of POLE has not been established as a mechanism of disease for POLE-related polymerase proofreading-associated polyposis (PPAP) and POLE-related CMMRD-like syndrome. Based on the supporting evidence, this variant is expected to be causative of POLE deficiency when present along with a second pathogenic variant on the other allele; however, its clinical significance for PPAP and POLE-related CMMRD-like syndrome is unclear.